The following is an entry in ClinVar:

ClinVar aggregate classification (germline): Pathogenic (1 of 4 stars; one submission).

Submission:

Labcorp Genetics (formerly Invitae), Labcorp
Classification: Pathogenic. Last evaluated: 2023-08-07. Review status: criteria provided, single submitter. Criteria: Invitae Variant Classification Sherloc (09022015). Collection method: clinical testing. Allele origin: germline.
Comment: This sequence change creates a premature translational stop signal (p.Phe49Leufs*8) in the MOCS2B gene. It is expected to result in an absent or disrupted protein product. Loss-of-function variants in MOCS2B are known to be pathogenic (PMID: 21031595). This variant is not present in population databases (gnomAD no frequency). This variant has not been reported in the literature in individuals affected with MOCS2B-related conditions. For these reasons, this variant has been classified as Pathogenic.

Literature cited by the submitters: PubMed 21031595.

NM_004531.5(MOCS2):c.147del (p.Phe49fs)

Gene: MOCS2 (molybdenum cofactor synthesis 2; minus strand). Cytogenetic location: 5q11.2.
Variant type: Deletion.
Coding change: c.147del on transcript NM_004531.5 (MANE Select); coding-DNA position 147, one base deleted (T; older notation c.147delT).
Protein change: p.Phe49fs; shifts the reading frame from phenylalanine 49.
Molecular consequence: frameshift variant. On other transcripts: 3 prime UTR variant (1).
Genome position (GRCh38, 1-based): chr5:53,102,176, A deleted on the plus strand (T on the coding strand, the reverse complement: MOCS2 is on the minus strand); the first of 3 consecutive A bases (chr5:53,102,176-53,102,178); deleting any one gives the same sequence. VCF-style (leftmost placement, unchanged base first): chr5-53102175-TA-T. GRCh37 (hg19) VCF-style: chr5-52398005-TA-T.
Other names: c.*67del (NM_176806.4); c.145delT, p.Phe49Leufs (NM_183418.1); short protein forms F49fs.
Identifiers: ClinVar variation 2750933 (VCV002750933.3), dbSNP rs2478601574, ClinGen allele CA2697547163.